The following is an entry in ClinVar:

ClinVar aggregate classification (germline): Uncertain significance (1 of 4 stars; one submission).

Conditions:
Autosomal recessive early-onset Parkinson disease 6 (PARK6). Also called: PARKINSON DISEASE 6, EARLY-ONSET; PINK1 Type of Young-Onset Parkinson Disease; PINK1-Related Parkinson Disease; PARKINSON DISEASE 6, MODIFIER OF. Identifiers: Orphanet 2828, MedGen C1853833, MONDO:0011613, OMIM 605909.

Allele frequency attached by ClinVar (database versions not stated): gnomAD 0.00003 and 0.00004; gnomAD exomes 0.00005 and 0.00012; ExAC 0.00007; TOPMed 0.00007.
gnomAD v4.1: 170 of 1,543,382 alleles (0.011%); highest among the groups gnomAD compares: Non-Finnish European, 0.014%; no homozygotes.

Submission:

Labcorp Genetics (formerly Invitae), Labcorp
Classification: Uncertain significance for Autosomal recessive early-onset Parkinson disease 6. Last evaluated: 2024-10-16. Review status: criteria provided, single submitter. Criteria: Invitae Variant Classification Sherloc (09022015). Collection method: clinical testing. Allele origin: germline.
Comment: This sequence change replaces leucine, which is neutral and non-polar, with phenylalanine, which is neutral and non-polar, at codon 67 of the PINK1 protein (p.Leu67Phe). This variant is present in population databases (rs763142730, gnomAD 0.01%). This missense change has been observed in individual(s) with Parkinson disease (PMID: 18330912). ClinVar contains an entry for this variant (Variation ID: 1416013). Invitae Evidence Modeling of protein sequence and biophysical properties (such as structural, functional, and spatial information, amino acid conservation, physicochemical variation, residue mobility, and thermodynamic stability) indicates that this missense variant is not expected to disrupt PINK1 protein function with a negative predictive value of 95%. In summary, the available evidence is currently insufficient to determine the role of this variant in disease. Therefore, it has been classified as a Variant of Uncertain Significance.

Literature cited by the submitters: PubMed 18330912.

NM_032409.3(PINK1):c.199C>T (p.Leu67Phe)

Genes: MIR6084 (microRNA 6084; plus strand), PINK1 (PTEN induced kinase 1; plus strand). Cytogenetic location: 1p36.12.
Variant type: single nucleotide variant.
Coding change: c.199C>T on transcript NM_032409.3 (MANE Select); coding-DNA position 199, C replaced by T.
Protein change: p.Leu67Phe; replaces leucine 67 with phenylalanine.
Molecular consequence: missense variant. On other transcripts: non-coding transcript variant (1).
Genome position (GRCh38, 1-based): chr1:20,633,747, C>T. VCF-style: chr1-20633747-C-T. GRCh37 (hg19) VCF-style: chr1-20960240-C-T.
Other names: short protein forms L67F.
Identifiers: ClinVar variation 1416013 (VCV001416013.6), dbSNP rs763142730, ClinGen allele CA660346.